The following is an entry in ClinVar:

NM_203290.4(POLR1C):c.490G>A (p.Val164Met)

Gene: POLR1C (RNA polymerase I and III subunit C; plus strand). Cytogenetic location: 6p21.1.
Variant type: single nucleotide variant.
Coding change: c.490G>A on transcript NM_203290.4 (MANE Select); coding-DNA position 490, G replaced by A.
Protein change: p.Val164Met; replaces valine 164 with methionine.
Molecular consequence: missense variant.
Genome position (GRCh38, 1-based): chr6:43,520,173, G>A. VCF-style: chr6-43520173-G-A. GRCh37 (hg19) VCF-style: chr6-43487911-G-A.
Other names: c.490G>A, p.Val164Met (NM_001318876.2, NM_001363658.2); c.490G>A (NM_203290.3); short protein forms V164M.
Identifiers: ClinVar variation 910446 (VCV000910446.10), dbSNP rs200525225, ClinGen allele CA3825452.
Genomic context (GRCh38, chr6:43,520,173, plus strand): 5'-GTCAGATGCACTCGGAACCCCCATGCTGCTAAAGATTCCTCTGACCCCAACGAACTGTAC[G>A]TGAACCACAAAGGTGAGTAGTGGTAGGGTGAGGAAGAGGCCCCACCTGTGGGTAGCTGCT-3'
Protein context (NP_976035.1, residues 154-174): KDSSDPNELY[Val164Met]NHKVYTRHMT

ClinVar aggregate classification (germline): Uncertain significance. Review status: criteria provided, multiple submitters, no conflicts (2 of 4 stars). 5 submissions from 5 submitters: Uncertain significance (2). 3 of the submissions do not count toward it. Last evaluated 2022-09-15.

Conditions:
Treacher Collins syndrome 3 (TCS3). Also called: POLR1C-Related Treacher Collins Syndrome. Identifiers: Orphanet 861, MedGen C1855433, MONDO:0009558, OMIM 248390.
POLR1C-related disorder. Also called: POLR1C-related disorders; POLR1C-related condition. Identifiers: MedGen CN239394, MONDO:0700278.

Allele frequency attached by ClinVar (database versions not stated): gnomAD exomes 0.00021; gnomAD 0.00020 and 0.00021; 1000 Genomes Project 30x 0.00031; ExAC 0.00017; TOPMed 0.00019; 1000 Genomes Project 0.00020; ESP Exome Variant Server 0.00023.
gnomAD v4.1: 251 of 1,614,206 alleles (0.016%); highest among the groups gnomAD compares: Middle Eastern, 0.033%; 1 homozygote.

Submissions (5):

Labcorp Genetics (formerly Invitae), Labcorp
Classification: Uncertain significance. Last evaluated: 2022-09-15. Review status: criteria provided, single submitter. Criteria: Invitae Variant Classification Sherloc (09022015). Collection method: clinical testing. Allele origin: germline.
Comment: This sequence change replaces valine, which is neutral and non-polar, with methionine, which is neutral and non-polar, at codon 164 of the POLR1C protein (p.Val164Met). This variant is present in population databases (rs200525225, gnomAD 0.2%). This variant has not been reported in the literature in individuals affected with POLR1C-related conditions. ClinVar contains an entry for this variant (Variation ID: 910446). Algorithms developed to predict the effect of missense changes on protein structure and function output the following: SIFT: "Not Available"; PolyPhen-2: "Benign"; Align-GVGD: "Not Available". The methionine amino acid residue is found in multiple mammalian species, which suggests that this missense change does not adversely affect protein function. Algorithms developed to predict the effect of sequence changes on RNA splicing suggest that this variant may disrupt the consensus splice site. In summary, the available evidence is currently insufficient to determine the role of this variant in disease. Therefore, it has been classified as a Variant of Uncertain Significance.

Illumina Laboratory Services, Illumina
Classification: Uncertain significance for Treacher Collins syndrome 3. Last evaluated: 2018-01-12. Review status: criteria provided, single submitter. Criteria: ICSL Variant Classification Criteria 13 December 2019. Collection method: clinical testing. Allele origin: germline.

PreventionGenetics, part of Exact Sciences
Classification: Likely benign for POLR1C-related condition. Last evaluated: 2024-02-21. Review status: no assertion criteria provided. Collection method: clinical testing. Allele origin: germline. Not counted in ClinVar's aggregate classification.
Comment: This variant is classified as likely benign based on ACMG/AMP sequence variant interpretation guidelines (Richards et al. 2015 PMID: 25741868, with internal and published modifications).

Clinical Genetics DNA and cytogenetics Diagnostics Lab, Erasmus MC, Erasmus Medical Center
Classification: Likely benign. Review status: no assertion criteria provided. Collection method: clinical testing. Allele origin: germline. Affected: yes. Study: VKGL Data-share Consensus. Not counted in ClinVar's aggregate classification.

Laboratory of Diagnostic Genome Analysis, Leiden University Medical Center (LUMC)
Classification: Likely benign. Review status: no assertion criteria provided. Collection method: clinical testing. Allele origin: germline. Affected: yes. Study: VKGL Data-share Consensus. Not counted in ClinVar's aggregate classification.